The following is an entry in ClinVar:

ClinVar aggregate classification (germline): Uncertain significance. Review status: criteria provided, multiple submitters, no conflicts (2 of 4 stars). 2 submissions from 2 submitters: Uncertain significance (2). Last evaluated 2025-04-19.

Conditions:
Combined oxidative phosphorylation defect type 14. Also called: Combined oxidative phosphorylation deficiency 14. Identifiers: Orphanet 319519, MedGen C4755312, MONDO:0013986, OMIM 614946.
Inborn genetic diseases. Identifiers: MedGen C0950123, MeSH D030342.

Allele frequency attached by ClinVar (database versions not stated): gnomAD exomes 0.00001; ExAC 0.00002; 1000 Genomes Project 30x 0.00016; 1000 Genomes Project 0.00020.
gnomAD v4.1: 13 of 1,614,192 alleles (0.00081%); highest among the groups gnomAD compares: African/African-American, 0.008%; no homozygotes.

Submissions (2):

Labcorp Genetics (formerly Invitae), Labcorp
Classification: Uncertain significance for Combined oxidative phosphorylation defect type 14. Last evaluated: 2025-04-19. Review status: criteria provided, single submitter. Criteria: Invitae Variant Classification Sherloc (09022015). Collection method: clinical testing. Allele origin: germline.
Comment: This sequence change replaces histidine, which is basic and polar, with arginine, which is basic and polar, at codon 27 of the FARS2 protein (p.His27Arg). The frequency data for this variant in the population databases is considered unreliable, as metrics indicate poor data quality at this position in the gnomAD database. This variant has not been reported in the literature in individuals affected with FARS2-related conditions. ClinVar contains an entry for this variant (Variation ID: 1018888). Invitae Evidence Modeling of protein sequence and biophysical properties (such as structural, functional, and spatial information, amino acid conservation, physicochemical variation, residue mobility, and thermodynamic stability) indicates that this missense variant is not expected to disrupt FARS2 protein function with a negative predictive value of 95%. In summary, the available evidence is currently insufficient to determine the role of this variant in disease. Therefore, it has been classified as a Variant of Uncertain Significance.

Ambry Genetics
Classification: Uncertain significance for Inborn genetic diseases. Last evaluated: 2021-11-09. Review status: criteria provided, single submitter. Criteria: Ambry Variant Classification Scheme 2023. Collection method: clinical testing. Allele origin: germline.

NM_006567.5(FARS2):c.80A>G (p.His27Arg)

Genes: FARS2 (phenylalanyl-tRNA synthetase 2, mitochondrial; plus strand), LOC126859565 (CDK7 strongly-dependent group 2 enhancer GRCh37_chr6:5368745-5369944; plus strand). Cytogenetic location: 6p25.1.
Variant type: single nucleotide variant.
Coding change: c.80A>G on transcript NM_006567.5 (MANE Select); coding-DNA position 80, A replaced by G.
Protein change: p.His27Arg; replaces histidine 27 with arginine.
Molecular consequence: missense variant. On other transcripts: intron variant (2).
Genome position (GRCh38, 1-based): chr6:5,368,650, A>G. VCF-style: chr6-5368650-A-G. GRCh37 (hg19) VCF-style: chr6-5368883-A-G.
Other names: c.80A>G (NM_006567.3); c.80A>G, p.His27Arg (NM_001318872.2, NM_001374875.1, NM_001374876.1 and 5 more transcripts); c.-340-27983A>G (NM_001375260.1); c.-84-35892A>G (NM_001375259.1); short protein forms H27R.
Identifiers: ClinVar variation 1018888 (VCV001018888.8), dbSNP rs537850422, ClinGen allele CA3623587.